The following is an entry in ClinVar:

NM_002471.4(MYH6):c.2774A>G (p.Asn925Ser)

Gene: MYH6 (myosin heavy chain 6; minus strand). Cytogenetic location: 14q11.2.
Variant type: single nucleotide variant.
Coding change: c.2774A>G on transcript NM_002471.4 (MANE Select); coding-DNA position 2774, A replaced by G.
Protein change: p.Asn925Ser; replaces asparagine 925 with serine.
Molecular consequence: missense variant.
Genome position (GRCh38, 1-based): chr14:23,393,820, T>C on the plus strand (A>G on the coding strand, the complement: MYH6 is on the minus strand). VCF-style: chr14-23393820-T-C. GRCh37 (hg19) VCF-style: chr14-23863029-T-C.
Other names: short protein forms N925S.
Identifiers: ClinVar variation 3297500 (VCV003297500.4).

ClinVar aggregate classification (germline): Uncertain significance. Review status: criteria provided, multiple submitters, no conflicts (2 of 4 stars). 2 submissions from 2 submitters: Uncertain significance (2). Last evaluated 2025-04-29.

Conditions:
Hypertrophic cardiomyopathy 14. Identifiers: MedGen C2750467, MONDO:0013197, OMIM 613251.
Cardiovascular phenotype. Identifiers: MedGen CN230736.

Submissions (2):

Ambry Genetics
Classification: Uncertain significance for Cardiovascular phenotype. Last evaluated: 2025-04-29. Review status: criteria provided, single submitter. Criteria: Ambry Variant Classification Scheme 2023. Collection method: clinical testing. Allele origin: germline.

Labcorp Genetics (formerly Invitae), Labcorp
Classification: Uncertain significance for Hypertrophic cardiomyopathy 14. Last evaluated: 2024-09-06. Review status: criteria provided, single submitter. Criteria: Invitae Variant Classification Sherloc (09022015). Collection method: clinical testing. Allele origin: germline.
Comment: This sequence change replaces asparagine, which is neutral and polar, with serine, which is neutral and polar, at codon 925 of the MYH6 protein (p.Asn925Ser). This variant is not present in population databases (gnomAD no frequency). This variant has not been reported in the literature in individuals affected with MYH6-related conditions. Invitae Evidence Modeling of protein sequence and biophysical properties (such as structural, functional, and spatial information, amino acid conservation, physicochemical variation, residue mobility, and thermodynamic stability) has been performed for this missense variant. However, the output from this modeling did not meet the statistical confidence thresholds required to predict the impact of this variant on MYH6 protein function. In summary, the available evidence is currently insufficient to determine the role of this variant in disease. Therefore, it has been classified as a Variant of Uncertain Significance.